The following is an entry in ClinVar:

NM_021922.3(FANCE):c.992T>C (p.Leu331Pro)

Gene: FANCE (FA complementation group E; plus strand). Cytogenetic location: 6p21.31.
Variant type: single nucleotide variant.
Coding change: c.992T>C on transcript NM_021922.3 (MANE Select); coding-DNA position 992, T replaced by C.
Protein change: p.Leu331Pro; replaces leucine 331 with proline.
Molecular consequence: missense variant.
Genome position (GRCh38, 1-based): chr6:35,458,319, T>C. VCF-style: chr6-35458319-T-C. GRCh37 (hg19) VCF-style: chr6-35426096-T-C.
Other names: c.992T>C, p.Leu331Pro (NM_001410876.1); short protein forms L331P.
Identifiers: ClinVar variation 2058192 (VCV002058192.4), dbSNP rs2533671926, ClinGen allele CA363775075.
Genomic context (GRCh38, chr6:35,458,319, plus strand): 5'-GTCCCGGTGTCCTCTCTCCCCCCGCACTCTGTAAGCAGATGGACTTGCTGTGTGCCCAGC[T>C]GCAGCTCCCTCAGCTCTCAGACCTCGGTCTCCTGCGGCTCTGCACCTGGCTGCTGGCCCT-3'
Protein context (NP_068741.1, residues 321-341): PSQMDLLCAQ[Leu331Pro]QLPQLSDLGL

ClinVar aggregate classification (germline): Uncertain significance (1 of 4 stars; one submission).

Conditions:
Fanconi anemia complementation group E (FANCE). Also called: FANCE-Related Fanconi Anemia. Identifiers: Orphanet 84, MedGen C3160739, MONDO:0010953, OMIM 600901.

Submission:

Labcorp Genetics (formerly Invitae), Labcorp
Classification: Uncertain significance for Fanconi anemia complementation group E. Last evaluated: 2022-02-18. Review status: criteria provided, single submitter. Criteria: Invitae Variant Classification Sherloc (09022015). Collection method: clinical testing. Allele origin: germline.
Comment: This sequence change replaces leucine, which is neutral and non-polar, with proline, which is neutral and non-polar, at codon 331 of the FANCE protein (p.Leu331Pro). This variant is not present in population databases (gnomAD no frequency). This variant has not been reported in the literature in individuals affected with FANCE-related conditions. Algorithms developed to predict the effect of missense changes on protein structure and function (SIFT, PolyPhen-2, Align-GVGD) all suggest that this variant is likely to be disruptive. In summary, the available evidence is currently insufficient to determine the role of this variant in disease. Therefore, it has been classified as a Variant of Uncertain Significance.